The following is an entry in ClinVar:

NM_001972.4(ELANE):c.380C>G (p.Ala127Gly)

Gene: ELANE (elastase, neutrophil expressed; plus strand). Cytogenetic location: 19p13.3.
Variant type: single nucleotide variant.
Coding change: c.380C>G on transcript NM_001972.4 (MANE Select); coding-DNA position 380, C replaced by G.
Protein change: p.Ala127Gly; replaces alanine 127 with glycine.
Molecular consequence: missense variant.
Genome position (GRCh38, 1-based): chr19:855,577, C>G. VCF-style: chr19-855577-C-G. GRCh37 (hg19) VCF-style: chr19-855577-C-G.
Other names: short protein forms A127G.
Identifiers: ClinVar variation 4618428 (VCV004618428.1).

ClinVar aggregate classification (germline): Uncertain significance (1 of 4 stars; one submission).

Conditions:
Inborn genetic diseases. Identifiers: MedGen C0950123, MeSH D030342.

Submission:

Ambry Genetics
Classification: Uncertain significance for Inborn genetic diseases. Last evaluated: 2025-12-10. Review status: criteria provided, single submitter. Criteria: Ambry Variant Classification Scheme 2023. Collection method: clinical testing. Allele origin: germline.
Comment: The p.A127G variant (also known as c.380C>G), located in coding exon 4 of the ELANE gene, results from a C to G substitution at nucleotide position 380. The alanine at codon 127 is replaced by glycine, an amino acid with similar properties. This amino acid position is conserved. In addition, the in silico prediction for this alteration is inconclusive. Based on the available evidence, the clinical significance of this variant remains unclear.